The following is an entry in ClinVar:

ClinVar aggregate classification (germline): Likely benign (1 of 4 stars; one submission).

Conditions:
Rubinstein-Taybi syndrome due to CREBBP mutations (RSTS1). Also called: RUBINSTEIN-TAYBI SYNDROME 1, INCOMPLETE; Rubinstein-Taybi syndrome 1; BROAD THUMB-HALLUX SYNDROME; CREBBP-Related Rubinstein-Taybi Syndrome; RUBINSTEIN SYNDROME; BROAD THUMBS AND GREAT TOES, CHARACTERISTIC FACIES, AND IMPAIRED INTELLECTUAL DEVELOPMENT. Identifiers: Orphanet 353277, Orphanet 783, MedGen C4551859, MONDO:0008393, OMIM 180849.

Submission:

Centre for Medical Genetics,  Mumbai
Classification: Likely benign for Rubinstein-Taybi syndrome due to CREBBP mutations. Last evaluated: 2026-01-25. Review status: criteria provided, single submitter. Criteria: ACMG Guidelines, 2015. Collection method: provider interpretation. Allele origin: germline. Inheritance: Autosomal dominant inheritance. Affected: no. Observed: 1 heterozygote.
Comment: The variant satisfies PM2 criteria. Very low frequency in gnomAD database. The variant satisfies PP2 criteria. Missense variant in a gene with low rate of benign missense mutations and for which missense mutation is a common mechanism of a disease. However, the variant satisfies BS2 criteria; Hence the variant is considered likely benign.

Literature cited by the submitters: PubMed 7630403.

NM_004380.3(CREBBP):c.3691C>G (p.Gln1231Glu)

Gene: CREBBP (CREB binding lysine acetyltransferase; minus strand).
Variant type: single nucleotide variant.
Coding change: c.3691C>G on transcript NM_004380.3 (MANE Select); coding-DNA position 3691, C replaced by G.
Protein change: p.Gln1231Glu; replaces glutamine 1231 with glutamic acid.
Molecular consequence: missense variant.
Other names: c.3577C>G, p.Gln1193Glu (NM_001079846.1); short protein forms Q1193E, Q1231E.
Identifiers: ClinVar variation 4686721 (VCV004686721.1).